The following is an entry in ClinVar:

NM_001394998.1(TANC2):c.3766-1G>A

Genes: TANC2 (tetratricopeptide repeat, ankyrin repeat and coiled-coil containing 2; plus strand), LOC105371856 (uncharacterized LOC105371856; minus strand). Cytogenetic location: 17q23.3.
Variant type: single nucleotide variant.
Coding change: c.3766-1G>A on transcript NM_001394998.1 (MANE Select); the canonical splice acceptor site of the intron before coding-DNA position 3766, G replaced by A.
Molecular consequence: splice acceptor variant.
Genome position (GRCh38, 1-based): chr17:63,411,997, G>A. VCF-style: chr17-63411997-G-A. GRCh37 (hg19) VCF-style: chr17-61489358-G-A.
Other names: c.3544-1G>A (NM_001411076.1, NM_025185.4).
Identifiers: ClinVar variation 4874893 (VCV004874893.2).
Genomic context (GRCh38, chr17:63,411,997, plus strand): 5'-CGGTGGAACAGTGCTGAGCCATTACGCCTGTCCTAACTTCTCTGCTTGATCCGTGTCCTA[G>A]GTCCAGTTCCTGGTAGATCATGGGGCCATGATCGAGCACGTTGACTACAGTGGAATGCGC-3'

ClinVar aggregate classification (germline): Pathogenic (1 of 4 stars; one submission).

Submission:

CeGaT Center for Human Genetics Tuebingen
Classification: Pathogenic. Last evaluated: 2026-05-01. Review status: criteria provided, single submitter. Criteria: CeGaT Center For Human Genetics Tuebingen Variant Classification Criteria Version 2. Collection method: clinical testing. Allele origin: germline. Affected: yes. Observed: 2 variant alleles.
Comment: TANC2: PVS1, PM2